The following is an entry in ClinVar:

NM_020759.3(STARD9):c.3900G>A (p.Gln1300=)

Gene: STARD9 (StAR related lipid transfer domain containing 9; plus strand). Cytogenetic location: 15q15.2.
Variant type: single nucleotide variant.
Coding change: c.3900G>A on transcript NM_020759.3 (MANE Select); coding-DNA position 3900, G replaced by A.
Protein change: p.Gln1300=; no amino-acid change (glutamine 1300 retained).
Molecular consequence: synonymous variant.
Genome position (GRCh38, 1-based): chr15:42,685,478, G>A. VCF-style: chr15-42685478-G-A. GRCh37 (hg19) VCF-style: chr15-42977676-G-A.
Identifiers: ClinVar variation 3059880 (VCV003059880.2), dbSNP rs6493060, ClinGen allele CA7514292.

ClinVar aggregate classification (germline): Benign (0 of 4 stars; one submission).

Conditions:
STARD9-related disorder. Also called: STARD9-related condition.

Allele frequency attached by ClinVar (database versions not stated): ExAC 0.34073; ESP Exome Variant Server 0.39286; TOPMed 0.39793; 1000 Genomes Project 0.44768.
gnomAD v4.1: 379,331 of 1,535,374 alleles (25%); highest among the groups gnomAD compares: African/African-American, 84%; 63,731 homozygotes.

Submission:

PreventionGenetics, part of Exact Sciences
Classification: Benign for STARD9-related condition. Last evaluated: 2019-08-12. Review status: no assertion criteria provided. Collection method: clinical testing. Allele origin: germline.
Comment: This variant is classified as benign based on ACMG/AMP sequence variant interpretation guidelines (Richards et al. 2015 PMID: 25741868, with internal and published modifications).